The following is an entry in ClinVar:

NM_000257.4(MYH7):c.5358G>A (p.Met1786Ile)

Gene: MYH7 (myosin heavy chain 7; minus strand). Cytogenetic location: 14q11.2.
Variant type: single nucleotide variant.
Coding change: c.5358G>A on transcript NM_000257.4 (MANE Select); coding-DNA position 5358, G replaced by A.
Protein change: p.Met1786Ile; replaces methionine 1786 with isoleucine.
Molecular consequence: missense variant.
Genome position (GRCh38, 1-based): chr14:23,415,196, C>T on the plus strand (G>A on the coding strand, the complement: MYH7 is on the minus strand). VCF-style: chr14-23415196-C-T. GRCh37 (hg19) VCF-style: chr14-23884405-C-T.
Other names: c.5358G>A, p.Met1786Ile (NM_001407004.1); short protein forms M1786I.
Identifiers: ClinVar variation 2819645 (VCV002819645.3), dbSNP rs2502239532, ClinGen allele CA389035737.

ClinVar aggregate classification (germline): Uncertain significance (1 of 4 stars; one submission).

Conditions:
Hypertrophic cardiomyopathy. Also called: HYPERTROPHIC MYOCARDIOPATHY. Identifiers: Orphanet 217569, MedGen C0007194, MeSH D002312, MONDO:0005045, HP:0001639.

Submission:

Labcorp Genetics (formerly Invitae), Labcorp
Classification: Uncertain significance for Hypertrophic cardiomyopathy. Last evaluated: 2022-12-12. Review status: criteria provided, single submitter. Criteria: Invitae Variant Classification Sherloc (09022015). Collection method: clinical testing. Allele origin: germline.
Comment: In summary, the available evidence is currently insufficient to determine the role of this variant in disease. Therefore, it has been classified as a Variant of Uncertain Significance. Advanced modeling of protein sequence and biophysical properties (such as structural, functional, and spatial information, amino acid conservation, physicochemical variation, residue mobility, and thermodynamic stability) performed at Invitae indicates that this missense variant is expected to disrupt MYH7 protein function. This variant has not been reported in the literature in individuals affected with MYH7-related conditions. This variant is not present in population databases (gnomAD no frequency). This sequence change replaces methionine, which is neutral and non-polar, with isoleucine, which is neutral and non-polar, at codon 1786 of the MYH7 protein (p.Met1786Ile).